The following is an entry in ClinVar:

NM_000052.7(ATP7A):c.3553C>T (p.Arg1185Trp)

Gene: ATP7A (ATPase copper transporting alpha; plus strand). Cytogenetic location: Xq21.1.
Variant type: single nucleotide variant.
Coding change: c.3553C>T on transcript NM_000052.7 (MANE Select); coding-DNA position 3553, C replaced by T.
Protein change: p.Arg1185Trp; replaces arginine 1185 with tryptophan.
Molecular consequence: missense variant. On other transcripts: non-coding transcript variant (1).
Genome position (GRCh38, 1-based): chrX:78,038,877, C>T. VCF-style: chrX-78038877-C-T. GRCh37 (hg19) VCF-style: chrX-77294375-C-T.
Other names: c.3319C>T, p.Arg1107Trp (NM_001282224.2); short protein forms R1185W, R1107W.
Identifiers: ClinVar variation 533676 (VCV000533676.13), dbSNP rs781907456, ClinGen allele CA10459433.

ClinVar aggregate classification (germline): Uncertain significance. Review status: criteria provided, multiple submitters, no conflicts (2 of 4 stars). 3 submissions from 3 submitters: Uncertain significance (2). 1 of the submissions does not count toward it. Last evaluated 2025-09-27.

Conditions:
Menkes kinky-hair syndrome (MNK). Also called: Classic Menkes Disease; Copper transport disease; Menkes Disease. Identifiers: Orphanet 565, MedGen C0022716, MONDO:0010651, OMIM 309400.
Cutis laxa, X-linked (OHS). Also called: EDS IX; Occipital horn syndrome. Identifiers: Orphanet 198, MedGen C0268353, MONDO:0010572, OMIM 304150.
X-linked distal spinal muscular atrophy type 3. Also called: NEURONOPATHY, DISTAL HEREDITARY MOTOR, X-LINKED; NEUROPATHY, DISTAL HEREDITARY MOTOR, X-LINKED; ATP7A-Related Distal Motor Neuropathy; SPINAL MUSCULAR ATROPHY, DISTAL, X-LINKED RECESSIVE. Identifiers: Orphanet 139557, MedGen C1845359, MONDO:0010338, OMIM 300489.

Allele frequency attached by ClinVar (database versions not stated): TOPMed below 0.00001; gnomAD 0.00001; gnomAD exomes 0.00001 and 0.00002; ExAC 0.00002.
gnomAD v4.1: 10 of 1,207,954 alleles (0.00083%); highest among the groups gnomAD compares: Non-Finnish European, 0.001%; no homozygotes.

Submissions (3):

Labcorp Genetics (formerly Invitae), Labcorp
Classification: Uncertain significance for X-linked distal spinal muscular atrophy type 3; Cutis laxa, X-linked; Menkes kinky-hair syndrome. Last evaluated: 2025-09-27. Review status: criteria provided, single submitter. Criteria: Invitae Variant Classification Sherloc (09022015). Collection method: clinical testing. Allele origin: germline.
Comment: This sequence change replaces arginine, which is basic and polar, with tryptophan, which is neutral and slightly polar, at codon 1185 of the ATP7A protein (p.Arg1185Trp). This variant is present in population databases (rs781907456, gnomAD 0.005%), including at least one homozygous and/or hemizygous individual. This variant has not been reported in the literature in individuals affected with ATP7A-related conditions. ClinVar contains an entry for this variant (Variation ID: 533676). Invitae Evidence Modeling of protein sequence and biophysical properties (such as structural, functional, and spatial information, amino acid conservation, physicochemical variation, residue mobility, and thermodynamic stability) has been performed for this missense variant. However, the output from this modeling did not meet the statistical confidence thresholds required to predict the impact of this variant on ATP7A protein function. In summary, the available evidence is currently insufficient to determine the role of this variant in disease. Therefore, it has been classified as a Variant of Uncertain Significance.

Neuberg Centre For Genomic Medicine, NCGM
Classification: Uncertain significance for Menkes kinky-hair syndrome. Review status: criteria provided, single submitter. Criteria: ACMG Guidelines, 2015. Collection method: clinical testing. Allele origin: germline. Inheritance: X-linked recessive inheritance. Affected: yes.
Comment: The missense variant c.3553C>T p.Arg1185Trp in the ATP7A gene has not been reported previously as a pathogenic variant nor as a benign variant, to our knowledge. This variant is reported with the allele frequency 0.001% in the gnomAD Exomes and novel in 1000 Genomes. This variant has been reported to the ClinVar database as Uncertain Significance. However, no details are available for independent assessment. The amino acid Arginine at position 1185 is changed to a Tryptophan changing protein sequence and it might alter its composition and physico- chemical properties. The variant is predicted as damaging by SIFT. The amino acid change p.Arg1185Trp in ATP7A is predicted as conserved by GERP++ and PhyloP across 100 vertebrates. For these reasons, this variant has been classified as Uncertain Significance.

Natera, Inc.
Classification: Uncertain significance for Menkes kinky hair syndrome. Last evaluated: 2021-08-14. Review status: no assertion criteria provided. Collection method: clinical testing. Allele origin: germline. Not counted in ClinVar's aggregate classification.